The following is an entry in ClinVar:

ClinVar aggregate classification (germline): Uncertain significance (1 of 4 stars; one submission).

Submission:

Labcorp Genetics (formerly Invitae), Labcorp
Classification: Uncertain significance. Last evaluated: 2023-05-20. Review status: criteria provided, single submitter. Criteria: Invitae Variant Classification Sherloc (09022015). Collection method: clinical testing. Allele origin: germline.
Comment: This variant has not been reported in the literature in individuals affected with IL23R-related conditions. This sequence change replaces isoleucine, which is neutral and non-polar, with threonine, which is neutral and polar, at codon 248 of the IL23R protein (p.Ile248Thr). This variant is not present in population databases (gnomAD no frequency). In summary, the available evidence is currently insufficient to determine the role of this variant in disease. Therefore, it has been classified as a Variant of Uncertain Significance. An algorithm developed to predict the effect of missense changes on protein structure and function (PolyPhen-2) suggests that this variant is likely to be disruptive.

NM_144701.3(IL23R):c.743T>C (p.Ile248Thr)

Gene: IL23R (interleukin 23 receptor; plus strand). Cytogenetic location: 1p31.3.
Variant type: single nucleotide variant.
Coding change: c.743T>C on transcript NM_144701.3 (MANE Select); coding-DNA position 743, T replaced by C.
Protein change: p.Ile248Thr; replaces isoleucine 248 with threonine.
Molecular consequence: missense variant.
Genome position (GRCh38, 1-based): chr1:67,207,000, T>C. VCF-style: chr1-67207000-T-C. GRCh37 (hg19) VCF-style: chr1-67672683-T-C.
Other names: short protein forms I248T.
Identifiers: ClinVar variation 2866483 (VCV002866483.3), dbSNP rs1326898192, ClinGen allele CA340728384.